The following is an entry in ClinVar:

NM_003803.4(MYOM1):c.4654G>A (p.Asp1552Asn)

Gene: MYOM1 (myomesin 1; minus strand). Cytogenetic location: 18p11.31.
Variant type: single nucleotide variant.
Coding change: c.4654G>A on transcript NM_003803.4 (MANE Select); coding-DNA position 4654, G replaced by A.
Protein change: p.Asp1552Asn; replaces aspartic acid 1552 with asparagine.
Molecular consequence: missense variant.
Genome position (GRCh38, 1-based): chr18:3,075,756, C>T on the plus strand (G>A on the coding strand, the complement: MYOM1 is on the minus strand). VCF-style: chr18-3075756-C-T. GRCh37 (hg19) VCF-style: chr18-3075754-C-T.
Other names: c.4366G>A, p.Asp1456Asn (NM_019856.2); short protein forms D1456N, D1552N.
Identifiers: ClinVar variation 1391457 (VCV001391457.8), dbSNP rs759276149, ClinGen allele CA8873872.
Genomic context (GRCh38, chr18:3,075,756, plus strand): 5'-AGTGGCATTTGCTAGGACCAGGGACTTACTTCAACCTCTGGAATTCAGCATAGGCCTCAT[C>T]GTATGCTTTAAAAGAAAAAAGAAAAGTTAGAATTTTCTCACCCAGAATTGATGACACACA-3'
Protein context (NP_003794.3, residues 1542-1562): KTVDLSGQAY[Asp1552Asn]EAYAEFQRLK

ClinVar aggregate classification (germline): Uncertain significance (1 of 4 stars; one submission).

Conditions:
Hypertrophic cardiomyopathy. Also called: HYPERTROPHIC MYOCARDIOPATHY. Identifiers: Orphanet 217569, MedGen C0007194, MeSH D002312, MONDO:0005045, HP:0001639.

Allele frequency attached by ClinVar (database versions not stated): gnomAD exomes 0.00001; ExAC 0.00002; TOPMed 0.00003.
gnomAD v4.1: 11 of 1,590,096 alleles (0.00069%); highest among the groups gnomAD compares: African/African-American, 0.0027%; no homozygotes.

Submission:

Labcorp Genetics (formerly Invitae), Labcorp
Classification: Uncertain significance for Hypertrophic cardiomyopathy. Last evaluated: 2025-05-19. Review status: criteria provided, single submitter. Criteria: Invitae Variant Classification Sherloc (09022015). Collection method: clinical testing. Allele origin: germline.
Comment: This sequence change replaces aspartic acid, which is acidic and polar, with asparagine, which is neutral and polar, at codon 1552 of the MYOM1 protein (p.Asp1552Asn). The frequency data for this variant in the population databases is considered unreliable, as metrics indicate poor data quality at this position in the gnomAD database. This variant has not been reported in the literature in individuals affected with MYOM1-related conditions. ClinVar contains an entry for this variant (Variation ID: 1391457). Invitae Evidence Modeling of protein sequence and biophysical properties (such as structural, functional, and spatial information, amino acid conservation, physicochemical variation, residue mobility, and thermodynamic stability) has been performed for this missense variant. However, the output from this modeling did not meet the statistical confidence thresholds required to predict the impact of this variant on MYOM1 protein function. In summary, the available evidence is currently insufficient to determine the role of this variant in disease. Therefore, it has been classified as a Variant of Uncertain Significance.